The following is an entry in ClinVar:

ClinVar aggregate classification (germline): Benign (1 of 4 stars; one submission).

Conditions:
Hereditary coproporphyria (HCP). Also called: Hereditary coproporphyria porphyria; Porphyria hepatica coproporphyria; Porphyria hepatica II; CPRO deficiency; COPROPORPHYRINOGEN OXIDASE DEFICIENCY; CPO DEFICIENCY. Identifiers: Orphanet 79273, MedGen C0162531, MONDO:0007369, OMIM 121300.

Allele frequency attached by ClinVar (database versions not stated): gnomAD 0.00037 and 0.00056; TOPMed 0.00072; 1000 Genomes Project 30x 0.00265; 1000 Genomes Project 0.00300.
gnomAD v4.1: 580 of 1,594,668 alleles (0.036%); highest among the groups gnomAD compares: East Asian, 1%; 2 homozygotes.

Submission:

Illumina Laboratory Services, Illumina
Classification: Benign for Hereditary coproporphyria. Last evaluated: 2018-01-12. Review status: criteria provided, single submitter. Criteria: ICSL Variant Classification Criteria 13 December 2019. Collection method: clinical testing. Allele origin: germline.
Comment: This variant was observed in the ICSL laboratory as part of a predisposition screen in an ostensibly healthy population. It had not been previously curated by ICSL or reported in the Human Gene Mutation Database (HGMD: prior to June 1st, 2018), and was therefore a candidate for classification through an automated scoring system. Utilizing variant allele frequency, disease prevalence and penetrance estimates, and inheritance mode, an automated score was calculated to assess if this variant is too frequent to cause the disease. Based on the score and internal cut-off values, a variant classified as benign is not then subjected to further curation. The score for this variant resulted in a classification of benign for this disease.

NM_000097.7(CPOX):c.*95G>A

Gene: CPOX (coproporphyrinogen oxidase; minus strand). Cytogenetic location: 3q11.2.
Variant type: single nucleotide variant.
Coding change: c.*95G>A on transcript NM_000097.7 (MANE Select); 95 bases downstream of the stop codon, G replaced by A.
Molecular consequence: 3 prime UTR variant.
Genome position (GRCh38, 1-based): chr3:98,580,588, C>T on the plus strand (G>A on the coding strand, the complement: CPOX is on the minus strand). VCF-style: chr3-98580588-C-T. GRCh37 (hg19) VCF-style: chr3-98299432-C-T.
Other names: c.*95G>A (LRG_1077t1).
Identifiers: ClinVar variation 346969 (VCV000346969.5), dbSNP rs2229123, ClinGen allele CA10616812.